The following is an entry in ClinVar:

ClinVar aggregate classification (germline): Uncertain significance (1 of 4 stars; one submission).

Allele frequency attached by ClinVar (database versions not stated): gnomAD exomes below 0.00001.
gnomAD v4.1: 1 of 1,614,182 alleles (0.000062%); highest among the groups gnomAD compares: Non-Finnish European, 0.000085%; no homozygotes.

Submission:

Labcorp Genetics (formerly Invitae), Labcorp
Classification: Uncertain significance. Last evaluated: 2020-07-20. Review status: criteria provided, single submitter. Criteria: Invitae Variant Classification Sherloc (09022015). Collection method: clinical testing. Allele origin: germline.
Comment: In summary, the available evidence is currently insufficient to determine the role of this variant in disease. Therefore, it has been classified as a Variant of Uncertain Significance. Algorithms developed to predict the effect of missense changes on protein structure and function are either unavailable or do not agree on the potential impact of this missense change (SIFT: "Tolerated"; PolyPhen-2: "Possibly Damaging"; Align-GVGD: "Class C0"). This variant has not been reported in the literature in individuals with SEMA4A-related conditions. This variant is not present in population databases (ExAC no frequency). This sequence change replaces glutamic acid with lysine at codon 356 of the SEMA4A protein (p.Glu356Lys). The glutamic acid residue is highly conserved and there is a small physicochemical difference between glutamic acid and lysine.

NM_022367.4(SEMA4A):c.1066G>A (p.Glu356Lys)

Gene: SEMA4A (semaphorin 4A; plus strand). Cytogenetic location: 1q22.
Variant type: single nucleotide variant.
Coding change: c.1066G>A on transcript NM_022367.4 (MANE Select); coding-DNA position 1066, G replaced by A.
Protein change: p.Glu356Lys; replaces glutamic acid 356 with lysine.
Molecular consequence: missense variant.
Genome position (GRCh38, 1-based): chr1:156,163,026, G>A. VCF-style: chr1-156163026-G-A. GRCh37 (hg19) VCF-style: chr1-156132817-G-A.
Other names: c.1066G>A, p.Glu356Lys (NM_001193300.2, NM_001193301.2, NM_001370567.1); c.670G>A, p.Glu224Lys (NM_001193302.2); c.769G>A, p.Glu257Lys (NM_001370568.1); c.559G>A, p.Glu187Lys (NM_001370569.1, NM_001370571.1); short protein forms E187K, E224K, E257K, E356K.
Identifiers: ClinVar variation 1015816 (VCV001015816.8), dbSNP rs1653812395, ClinGen allele CA342840586.